The following is an entry in ClinVar:

ClinVar aggregate classification (germline): Uncertain significance (1 of 4 stars; one submission).

Conditions:
Ichthyosis linearis circumflexa. Identifiers: MedGen C0265962, MONDO:0043106, HP:0025810.

Allele frequency attached by ClinVar (database versions not stated): TOPMed 0.00001; gnomAD exomes 0.00002.
gnomAD v4.1: 15 of 1,611,368 alleles (0.00093%); highest among the groups gnomAD compares: Non-Finnish European, 0.0013%; no homozygotes.

Submission:

Labcorp Genetics (formerly Invitae), Labcorp
Classification: Uncertain significance for Ichthyosis linearis circumflexa. Last evaluated: 2020-03-26. Review status: criteria provided, single submitter. Criteria: Invitae Variant Classification Sherloc (09022015). Collection method: clinical testing. Allele origin: germline.
Comment: This sequence change replaces asparagine with aspartic acid at codon 219 of the SPINK5 protein (p.Asn219Asp). The asparagine residue is weakly conserved and there is a small physicochemical difference between asparagine and aspartic acid. This variant is not present in population databases (ExAC no frequency). This variant has not been reported in the literature in individuals with SPINK5-related conditions. Algorithms developed to predict the effect of missense changes on protein structure and function output the following: SIFT: "Tolerated"; PolyPhen-2: "Benign"; Align-GVGD: "Class C0". The aspartic acid amino acid residue is found in multiple mammalian species, suggesting that this missense change does not adversely affect protein function. These predictions have not been confirmed by published functional studies and their clinical significance is uncertain. In summary, the available evidence is currently insufficient to determine the role of this variant in disease. Therefore, it has been classified as a Variant of Uncertain Significance.

NM_006846.4(SPINK5):c.655A>G (p.Asn219Asp)

Gene: SPINK5 (serine peptidase inhibitor Kazal type 5; plus strand). Cytogenetic location: 5q32.
Variant type: single nucleotide variant.
Coding change: c.655A>G on transcript NM_006846.4 (MANE Select); coding-DNA position 655, A replaced by G.
Protein change: p.Asn219Asp; replaces asparagine 219 with aspartic acid.
Molecular consequence: missense variant.
Genome position (GRCh38, 1-based): chr5:148,091,217, A>G. VCF-style: chr5-148091217-A-G. GRCh37 (hg19) VCF-style: chr5-147470780-A-G.
Other names: c.655A>G, p.Asn219Asp (NM_001127698.2, NM_001127699.2); short protein forms N219D.
Identifiers: ClinVar variation 1035256 (VCV001035256.9), dbSNP rs975541808, ClinGen allele CA129719506.